The following is an entry in ClinVar:

NM_182914.3(SYNE2):c.2972A>C (p.Gln991Pro)

Gene: SYNE2 (spectrin repeat containing nuclear envelope protein 2; plus strand). Cytogenetic location: 14q23.2.
Variant type: single nucleotide variant.
Coding change: c.2972A>C on transcript NM_182914.3 (MANE Select); coding-DNA position 2972, A replaced by C.
Protein change: p.Gln991Pro; replaces glutamine 991 with proline.
Molecular consequence: missense variant.
Genome position (GRCh38, 1-based): chr14:63,996,978, A>C. VCF-style: chr14-63996978-A-C. GRCh37 (hg19) VCF-style: chr14-64463696-A-C.
Other names: c.2972A>C, p.Gln991Pro (NM_015180.6); short protein forms Q991P.
Identifiers: ClinVar variation 2761932 (VCV002761932.3), dbSNP rs2096718748, ClinGen allele CA389987009.

ClinVar aggregate classification (germline): Uncertain significance (1 of 4 stars; one submission).

Conditions:
Emery-Dreifuss muscular dystrophy 5, autosomal dominant (EDMD5). Also called: EMERY-DREIFUSS MUSCULAR DYSTROPHY 5. Identifiers: Orphanet 261, MedGen C2751805, MONDO:0013072, OMIM 612999.

Submission:

Labcorp Genetics (formerly Invitae), Labcorp
Classification: Uncertain significance for Emery-Dreifuss muscular dystrophy 5, autosomal dominant. Last evaluated: 2024-10-29. Review status: criteria provided, single submitter. Criteria: Invitae Variant Classification Sherloc (09022015). Collection method: clinical testing. Allele origin: germline.
Comment: This sequence change replaces glutamine, which is neutral and polar, with proline, which is neutral and non-polar, at codon 991 of the SYNE2 protein (p.Gln991Pro). This variant is not present in population databases (gnomAD no frequency). This variant has not been reported in the literature in individuals affected with SYNE2-related conditions. An algorithm developed to predict the effect of missense changes on protein structure and function (PolyPhen-2) suggests that this variant is likely to be disruptive. In summary, the available evidence is currently insufficient to determine the role of this variant in disease. Therefore, it has been classified as a Variant of Uncertain Significance.